The following is an entry in ClinVar:

NM_000245.4(MET):c.2218G>C (p.Glu740Gln)

Gene: MET (MET proto-oncogene, receptor tyrosine kinase; plus strand). Cytogenetic location: 7q31.2.
Variant type: single nucleotide variant.
Coding change: c.2218G>C on transcript NM_000245.4 (MANE Select); coding-DNA position 2218, G replaced by C.
Protein change: p.Glu740Gln; replaces glutamic acid 740 with glutamine.
Molecular consequence: missense variant.
Genome position (GRCh38, 1-based): chr7:116,758,574, G>C. VCF-style: chr7-116758574-G-C. GRCh37 (hg19) VCF-style: chr7-116398628-G-C.
Other names: c.928G>C, p.Glu310Gln (NM_001324402.2); c.2218G>C, p.Glu740Gln (NM_001127500.3, NM_001324401.3); short protein forms E310Q, E740Q.
Identifiers: ClinVar variation 2709519 (VCV002709519.3), dbSNP rs2116932223, ClinGen allele CA368980760.
Genomic context (GRCh38, chr7:116,758,574, plus strand): 5'-TTTGCTGTTAAATTGAAAATTGACTTAGCCAACCGAGAGACAAGCATCTTCAGTTACCGT[G>C]AAGATCCCATTGTCTATGAAATTCATCCAACCAAATCTTTTATTAGGTAAGTAGAAGCTT-3'
Protein context (NP_000236.2, residues 730-750): NRETSIFSYR[Glu740Gln]DPIVYEIHPT

ClinVar aggregate classification (germline): Uncertain significance (1 of 4 stars; one submission).

Conditions:
Renal cell carcinoma. Identifiers: Orphanet 217071, MedGen C0007134, MeSH D002292, MONDO:0005086, HP:0005584.

Submission:

Labcorp Genetics (formerly Invitae), Labcorp
Classification: Uncertain significance for Renal cell carcinoma. Last evaluated: 2024-01-16. Review status: criteria provided, single submitter. Criteria: Invitae Variant Classification Sherloc (09022015). Collection method: clinical testing. Allele origin: germline.
Comment: This sequence change replaces glutamic acid, which is acidic and polar, with glutamine, which is neutral and polar, at codon 740 of the MET protein (p.Glu740Gln). This variant is not present in population databases (gnomAD no frequency). This variant has not been reported in the literature in individuals affected with MET-related conditions. Advanced modeling of protein sequence and biophysical properties (such as structural, functional, and spatial information, amino acid conservation, physicochemical variation, residue mobility, and thermodynamic stability) performed at Invitae indicates that this missense variant is not expected to disrupt MET protein function with a negative predictive value of 80%. In summary, the available evidence is currently insufficient to determine the role of this variant in disease. Therefore, it has been classified as a Variant of Uncertain Significance.